The following is an entry in ClinVar:

ClinVar aggregate classification (germline): Conflicting classifications of pathogenicity. Review status: criteria provided, conflicting classifications (1 of 4 stars). 8 submissions from 8 submitters: Uncertain significance (1); Likely benign (6). 1 of the submissions does not count toward it. Last evaluated 2026-01-03.

Conditions:
CFTR-related disorder (CFTR-RD). Also called: CFTR-related disorders; CFTR-related condition. Identifiers: MedGen C5924204, MONDO:7770004.
Cystic fibrosis (CF). Also called: MUCOVISCIDOSIS. Identifiers: Orphanet 586, MedGen C0010674, MONDO:0009061, OMIM 219700. Disease mechanism: loss of function.

Allele frequency attached by ClinVar (database versions not stated): gnomAD 0.00003; TOPMed 0.00003; 1000 Genomes Project 30x 0.00016.
gnomAD v4.1: 35 of 1,613,994 alleles (0.0022%); highest among the groups gnomAD compares: Middle Eastern, 0.033%; no homozygotes.

Submissions (8):

Labcorp Genetics (formerly Invitae), Labcorp
Classification: Likely benign for Cystic fibrosis. Last evaluated: 2026-01-03. Review status: criteria provided, single submitter. Criteria: Invitae Variant Classification Sherloc (09022015). Collection method: clinical testing. Allele origin: germline.

Mayo Clinic Laboratories, Mayo Clinic
Classification: Likely benign. Last evaluated: 2024-10-11. Review status: criteria provided, single submitter. Criteria: ACMG Guidelines, 2015. Collection method: clinical testing. Allele origin: germline. Observed: 1 variant allele.
Comment: BP4, BP7

Genome-Nilou Lab
Classification: Likely benign for Cystic fibrosis. Last evaluated: 2021-07-22. Review status: criteria provided, single submitter. Criteria: ACMG Guidelines, 2015. Collection method: clinical testing. Allele origin: germline. Affected: no.

Women's Health and Genetics/Laboratory Corporation of America, LabCorp
Classification: Likely benign. Last evaluated: 2021-01-22. Review status: criteria provided, single submitter. Criteria: LabCorp Variant Classification Summary - May 2015. Collection method: clinical testing. Allele origin: germline.

Blueprint Genetics
Classification: Likely benign. Last evaluated: 2020-05-06. Review status: criteria provided, single submitter. Criteria: ACMG Guidelines, 2015. Collection method: clinical testing. Allele origin: germline.

Ambry Genetics
Classification: Likely benign for Cystic fibrosis. Last evaluated: 2019-08-08. Review status: criteria provided, single submitter. Criteria: Ambry Variant Classification Scheme 2023. Collection method: clinical testing. Allele origin: germline.

Eurofins Ntd Llc (ga)
Classification: Uncertain significance. Last evaluated: 2014-12-23. Review status: criteria provided, single submitter. Criteria: EGL Classification Definitions 2015. Collection method: clinical testing. Allele origin: germline. Observed: 1 variant allele, 1 heterozygote.

PreventionGenetics, part of Exact Sciences
Classification: Likely benign for CFTR-related condition. Last evaluated: 2021-10-05. Review status: no assertion criteria provided. Collection method: clinical testing. Allele origin: germline. Not counted in ClinVar's aggregate classification.
Comment: This variant is classified as likely benign based on ACMG/AMP sequence variant interpretation guidelines (Richards et al. 2015 PMID: 25741868, with internal and published modifications).

NM_000492.4(CFTR):c.2736G>A (p.Ser912=)

Gene: CFTR (CF transmembrane conductance regulator; plus strand). Cytogenetic location: 7q31.2.
Variant type: single nucleotide variant.
Coding change: c.2736G>A on transcript NM_000492.4 (MANE Select); coding-DNA position 2736, G replaced by A.
Protein change: p.Ser912=; no amino-acid change (serine 912 retained).
Molecular consequence: synonymous variant.
Genome position (GRCh38, 1-based): chr7:117,603,610, G>A. VCF-style: chr7-117603610-G-A. GRCh37 (hg19) VCF-style: chr7-117243664-G-A.
Other names: p.Ser912=.
Identifiers: ClinVar variation 194712 (VCV000194712.22), dbSNP rs200901072, ClinGen allele CA240842.
Genomic context (GRCh38, chr7:117,603,610, plus strand): 5'-AGGGAATAGTACTCATAGTAGAAATAACAGCTATGCAGTGATTATCACCAGCACCAGTTC[G>A]TATTATGTGTTTTACATTTACGTGGGAGTAGCCGACACTTTGCTTGCTATGGGATTCTTC-3'
Protein context (NP_000483.3, residues 902-922): SYAVIITSTS[Ser912=]YYVFYIYVGV